The following is an entry in ClinVar:

ClinVar aggregate classification (germline): Likely benign. Review status: criteria provided, multiple submitters, no conflicts (2 of 4 stars). 2 submissions from 2 submitters: Likely benign (2). Last evaluated 2018-01-12.

Conditions:
Greenberg dysplasia (GRBGD). Also called: CHONDRODYSTROPHY, HYDROPIC AND PRENATALLY LETHAL TYPE; MOTH-EATEN SKELETAL DYSPLASIA; HEM SKELETAL DYSPLASIA. Identifiers: Orphanet 1426, MedGen C2931048, MONDO:0008974, OMIM 215140.

Allele frequency attached by ClinVar (database versions not stated): 1000 Genomes Project 30x 0.00468; 1000 Genomes Project 0.00539; TOPMed 0.01025; gnomAD 0.01039 and 0.01045; gnomAD exomes 0.01168.
gnomAD v4.1: 1,597 of 152,552 alleles (1%); highest among the groups gnomAD compares: Middle Eastern, 3.4%; 12 homozygotes.

Submissions (2):

Illumina Laboratory Services, Illumina
Classification: Likely benign for Greenberg dysplasia. Last evaluated: 2018-01-12. Review status: criteria provided, single submitter. Criteria: ICSL Variant Classification Criteria 13 December 2019. Collection method: clinical testing. Allele origin: germline.
Comment: This variant was observed in the ICSL laboratory as part of a predisposition screen in an ostensibly healthy population. It had not been previously curated by ICSL or reported in the Human Gene Mutation Database (HGMD: prior to June 1st, 2018), and was therefore a candidate for classification through an automated scoring system. Utilizing variant allele frequency, disease prevalence and penetrance estimates, and inheritance mode, an automated score was calculated to assess if this variant is too frequent to cause the disease. Based on the score and internal cut-off values, a variant classified as likely benign is not then subjected to further curation. The score for this variant resulted in a classification of likely benign for this disease.

Breakthrough Genomics
Classification: Likely benign. Review status: criteria provided, single submitter. Criteria: ACMG Guidelines, 2015. Collection method: not provided. Allele origin: germline. Inheritance: Autosomal recessive inheritance. Affected: yes.

NM_002296.4(LBR):c.*656G>A

Gene: LBR (lamin B receptor; minus strand). Cytogenetic location: 1q42.12.
Variant type: single nucleotide variant.
Coding change: c.*656G>A on transcript NM_002296.4 (MANE Select); 656 bases downstream of the stop codon, G replaced by A.
Molecular consequence: 3 prime UTR variant.
Genome position (GRCh38, 1-based): chr1:225,402,647, C>T on the plus strand (G>A on the coding strand, the complement: LBR is on the minus strand). VCF-style: chr1-225402647-C-T. GRCh37 (hg19) VCF-style: chr1-225590349-C-T.
Other names: c.*656G>A (NM_194442.3).
Identifiers: ClinVar variation 295925 (VCV000295925.6), dbSNP rs80028106, ClinGen allele CA10609239.
Genomic context (GRCh38, chr1:225,402,647, plus strand): 5'-AAAATGTTTTGTTAAAAAGACAGTTAGTCCTGACAATCATCTCACATTCAAAATACTGTA[C>T]AAAAAAATCTGAAGTCACCATATATTACAAAAAACTAAGCTATGTATTTACATTTTCAAT-3'